The following is an entry in ClinVar:

NM_001083614.2(EARS2):c.1369A>G (p.Ser457Gly)

Gene: EARS2 (glutamyl-tRNA synthetase 2, mitochondrial; minus strand). Cytogenetic location: 16p12.2.
Variant type: single nucleotide variant.
Coding change: c.1369A>G on transcript NM_001083614.2 (MANE Select); coding-DNA position 1369, A replaced by G.
Protein change: p.Ser457Gly; replaces serine 457 with glycine.
Molecular consequence: missense variant. On other transcripts: non-coding transcript variant (1).
Genome position (GRCh38, 1-based): chr16:23,525,363, T>C on the plus strand (A>G on the coding strand, the complement: EARS2 is on the minus strand). VCF-style: chr16-23525363-T-C. GRCh37 (hg19) VCF-style: chr16-23536684-T-C.
Other names: p.S457G:AGT>GGT; c.1369A>G, p.Ser457Gly (NM_001308211.1); short protein forms S457G.
Identifiers: ClinVar variation 137186 (VCV000137186.22), dbSNP rs6497671, ClinGen allele CA290698.
Genomic context (GRCh38, chr16:23,525,363, plus strand): 5'-CCAGACCTTCTGATAGCTTCTTCAGTTCTCCATTCAGCATATCCTGAGTTAAGCTCATAC[T>C]AGATCTTTCTAGAAGCCTAGAAGAAGAGGGCCAGTTTACAGGGCCTGCATGGGCCAATGG-3'
Protein context (NP_001077083.1, residues 447-467): KRVLGLLERS[Ser457Gly]MSLTQDMLNG

ClinVar aggregate classification (germline): Benign. Review status: criteria provided, multiple submitters, no conflicts (2 of 4 stars). 7 submissions from 7 submitters: Benign (6). 1 of the submissions does not count toward it. Last evaluated 2026-02-03.

Conditions:
Leukoencephalopathy-thalamus and brainstem anomalies-high lactate syndrome. Also called: LEUKOENCEPHALOPATHY WITH THALAMUS AND BRAINSTEM INVOLVEMENT AND HIGH LACTATE; Combined oxidative phosphorylation deficiency 12. Identifiers: Orphanet 314051, MedGen C4706421, MONDO:0013971, OMIM 614924.

Allele frequency attached by ClinVar (database versions not stated): 1000 Genomes Project 0.80192; 1000 Genomes Project 30x 0.80528; gnomAD exomes 0.82998; ExAC 0.83063; gnomAD 0.83671 and 0.84008; TOPMed 0.84307; ESP Exome Variant Server 0.84962.
gnomAD v4.1: 1,359,469 of 1,613,500 alleles (84%); highest among the groups gnomAD compares: Middle Eastern, 88%; 573,977 homozygotes.

Submissions (7):

Labcorp Genetics (formerly Invitae), Labcorp
Classification: Benign. Last evaluated: 2026-02-03. Review status: criteria provided, single submitter. Criteria: Invitae Variant Classification Sherloc (09022015). Collection method: clinical testing. Allele origin: germline.

Blueprint Genetics
Classification: Benign. Last evaluated: 2024-11-27. Review status: criteria provided, single submitter. Criteria: ACMG Guidelines, 2015. Collection method: clinical testing. Allele origin: germline.

Genome-Nilou Lab
Classification: Benign for Leukoencephalopathy-thalamus and brainstem anomalies-high lactate syndrome. Last evaluated: 2021-07-30. Review status: criteria provided, single submitter. Criteria: ACMG Guidelines, 2015. Collection method: clinical testing. Allele origin: germline. Affected: no.

Illumina Laboratory Services, Illumina
Classification: Benign for Leukoencephalopathy-thalamus and brainstem anomalies-high lactate syndrome. Last evaluated: 2018-01-13. Review status: criteria provided, single submitter. Criteria: ICSL Variant Classification Criteria 13 December 2019. Collection method: clinical testing. Allele origin: germline.
Comment: This variant was observed in the ICSL laboratory as part of a predisposition screen in an ostensibly healthy population. It had not been previously curated by ICSL or reported in the Human Gene Mutation Database (HGMD: prior to June 1st, 2018), and was therefore a candidate for classification through an automated scoring system. Utilizing variant allele frequency, disease prevalence and penetrance estimates, and inheritance mode, an automated score was calculated to assess if this variant is too frequent to cause the disease. Based on the score and internal cut-off values, a variant classified as benign is not then subjected to further curation. The score for this variant resulted in a classification of benign for this disease.

GeneDx
Classification: Benign. Last evaluated: 2013-09-05. Review status: criteria provided, single submitter. Criteria: GeneDx Variant Classification (06012015). Collection method: clinical testing. Allele origin: germline. Affected: yes.
Comment: This variant is considered likely benign or benign based on one or more of the following criteria: it is a conservative change, it occurs at a poorly conserved position in the protein, it is predicted to be benign by multiple in silico algorithms, and/or has population frequency not consistent with disease.

Breakthrough Genomics
Classification: Benign. Review status: criteria provided, single submitter. Criteria: ACMG Guidelines, 2015. Collection method: not provided. Allele origin: germline. Inheritance: Autosomal recessive inheritance. Affected: yes.

Mayo Clinic Laboratories, Mayo Clinic
Classification: Benign. Last evaluated: 2016-02-15. Review status: no assertion criteria provided. Collection method: clinical testing. Allele origin: unknown. Not counted in ClinVar's aggregate classification.